The following is an entry in ClinVar:

NM_002204.4(ITGA3):c.1404C>T (p.Ile468=)

Gene: ITGA3 (integrin subunit alpha 3; plus strand). Cytogenetic location: 17q21.33.
Variant type: single nucleotide variant.
Coding change: c.1404C>T on transcript NM_002204.4 (MANE Select); coding-DNA position 1404, C replaced by T.
Protein change: p.Ile468=; no amino-acid change (isoleucine 468 retained).
Molecular consequence: synonymous variant.
Genome position (GRCh38, 1-based): chr17:50,074,469, C>T. VCF-style: chr17-50074469-C-T. GRCh37 (hg19) VCF-style: chr17-48151833-C-T.
Other names: c.1404C>T (NM_002204.3).
Identifiers: ClinVar variation 2168590 (VCV002168590.5), dbSNP rs144631252, ClinGen allele CA8641537.

ClinVar aggregate classification (germline): Likely benign. Review status: criteria provided, multiple submitters, no conflicts (2 of 4 stars). 2 submissions from 2 submitters: Likely benign (2). Last evaluated 2024-12-11.

Conditions:
ITGA3-related disorder. Also called: ITGA3-related condition.

Allele frequency attached by ClinVar (database versions not stated): gnomAD exomes 0.00003; ExAC 0.00008; gnomAD 0.00022; TOPMed 0.00026; 1000 Genomes Project 30x 0.00031; ESP Exome Variant Server 0.00038; 1000 Genomes Project 0.00040.
gnomAD v4.1: 84 of 1,614,068 alleles (0.0052%); highest among the groups gnomAD compares: African/African-American, 0.059%; no homozygotes.

Submissions (2):

PreventionGenetics, part of Exact Sciences
Classification: Likely benign for ITGA3-related condition. Last evaluated: 2024-12-11. Review status: criteria provided, single submitter. Criteria: ACMG Guidelines, 2015. Collection method: clinical testing. Allele origin: germline.
Comment: This variant is classified as likely benign based on ACMG/AMP sequence variant interpretation guidelines (Richards et al. 2015 PMID: 25741868, with internal and published modifications).

Labcorp Genetics (formerly Invitae), Labcorp
Classification: Likely benign. Last evaluated: 2024-10-28. Review status: criteria provided, single submitter. Criteria: Invitae Variant Classification Sherloc (09022015). Collection method: clinical testing. Allele origin: germline.